The following is an entry in ClinVar:

ClinVar aggregate classification (germline): Uncertain significance (1 of 4 stars; one submission).

Allele frequency attached by ClinVar (database versions not stated): gnomAD exomes below 0.00001.
gnomAD v4.1: 1 of 1,611,028 alleles (0.000062%); highest among the groups gnomAD compares: South Asian, 0.0011%; no homozygotes.

Submission:

Labcorp Genetics (formerly Invitae), Labcorp
Classification: Uncertain significance. Last evaluated: 2022-03-19. Review status: criteria provided, single submitter. Criteria: Invitae Variant Classification Sherloc (09022015). Collection method: clinical testing. Allele origin: germline.
Comment: In summary, the available evidence is currently insufficient to determine the role of this variant in disease. Therefore, it has been classified as a Variant of Uncertain Significance. Algorithms developed to predict the effect of missense changes on protein structure and function (SIFT, PolyPhen-2, Align-GVGD) all suggest that this variant is likely to be tolerated. This variant has not been reported in the literature in individuals affected with ITPR1-related conditions. This variant is not present in population databases (gnomAD no frequency). This sequence change replaces alanine, which is neutral and non-polar, with valine, which is neutral and non-polar, at codon 1178 of the ITPR1 protein (p.Ala1178Val).

NM_001378452.1(ITPR1):c.3605C>T (p.Ala1202Val)

Gene: ITPR1 (inositol 1,4,5-trisphosphate receptor type 1; plus strand). Cytogenetic location: 3p26.1.
Variant type: single nucleotide variant.
Coding change: c.3605C>T on transcript NM_001378452.1 (MANE Select); coding-DNA position 3605, C replaced by T.
Protein change: p.Ala1202Val; replaces alanine 1202 with valine.
Molecular consequence: missense variant.
Genome position (GRCh38, 1-based): chr3:4,685,109, C>T. VCF-style: chr3-4685109-C-T. GRCh37 (hg19) VCF-style: chr3-4726793-C-T.
Other names: c.3578C>T, p.Ala1193Val (NM_001099952.4); c.3560C>T, p.Ala1187Val (NM_001168272.2); c.3533C>T, p.Ala1178Val (NM_002222.7); short protein forms A1193V, A1202V, A1187V, A1178V.
Identifiers: ClinVar variation 2200849 (VCV002200849.4), dbSNP rs2094369237, ClinGen allele CA351651530.